The following is an entry in ClinVar:

ClinVar aggregate classification (germline): Likely benign (1 of 4 stars; one submission).

Submission:

CeGaT Center for Human Genetics Tuebingen
Classification: Likely benign. Last evaluated: 2025-02-01. Review status: criteria provided, single submitter. Criteria: CeGaT Center For Human Genetics Tuebingen Variant Classification Criteria Version 2. Collection method: clinical testing. Allele origin: germline. Affected: yes. Observed: 1 variant allele.
Comment: CHD5: BP4, BP7

NM_015557.3(CHD5):c.1716C>T (p.Asp572=)

Gene: CHD5 (chromodomain helicase DNA binding protein 5; minus strand). Cytogenetic location: 1p36.31.
Variant type: single nucleotide variant.
Coding change: c.1716C>T on transcript NM_015557.3 (MANE Select); coding-DNA position 1716, C replaced by T.
Protein change: p.Asp572=; no amino-acid change (aspartic acid 572 retained).
Molecular consequence: synonymous variant.
Genome position (GRCh38, 1-based): chr1:6,146,298, G>A on the plus strand (C>T on the coding strand, the complement: CHD5 is on the minus strand). VCF-style: chr1-6146298-G-A. GRCh37 (hg19) VCF-style: chr1-6206358-G-A.
Identifiers: ClinVar variation 3771916 (VCV003771916.13).